The following is an entry in ClinVar:

NM_012470.4(TNPO3):c.635G>T (p.Gly212Val)

Gene: TNPO3 (transportin 3; minus strand). Cytogenetic location: 7q32.1.
Variant type: single nucleotide variant.
Coding change: c.635G>T on transcript NM_012470.4 (MANE Select); coding-DNA position 635, G replaced by T.
Protein change: p.Gly212Val; replaces glycine 212 with valine.
Molecular consequence: missense variant. On other transcripts: non-coding transcript variant (18), intron variant (1).
Genome position (GRCh38, 1-based): chr7:129,005,077, C>A on the plus strand (G>T on the coding strand, the complement: TNPO3 is on the minus strand). VCF-style: chr7-129005077-C-A. GRCh37 (hg19) VCF-style: chr7-128645131-C-A.
Other names: c.635G>T, p.Gly212Val (NM_001191028.3, NM_001382216.1, NM_001382218.1 and 4 more transcripts); c.716G>T, p.Gly239Val (NM_001382217.1); c.553-3843G>T (NM_001382221.1); short protein forms G212V, G239V.
Identifiers: ClinVar variation 2000684 (VCV002000684.4), dbSNP rs1802416900, ClinGen allele CA369241739.
Genomic context (GRCh38, chr7:129,005,077, plus strand): 5'-AAAACCTCAAAAAGGAGTGCTAGTAATTTATTGTTAGCCATGAAGTTACTGTCCAAAACT[C>A]CCAAGTTAAACCAACTTCCCAAACAGCGAAAAACCTTCATAAGCATTTTCTCATCTGTTC-3'
Protein context (NP_036602.1, residues 202-222): FRCLGSWFNL[Gly212Val]VLDSNFMANN

ClinVar aggregate classification (germline): Uncertain significance (1 of 4 stars; one submission).

Conditions:
Autosomal dominant limb-girdle muscular dystrophy type 1F (LGMDD2). Also called: Limb-girdle muscular dystrophy, type 1F; MUSCULAR DYSTROPHY, LIMB-GIRDLE, AUTOSOMAL DOMINANT 2. Identifiers: Orphanet 55595, MedGen C1842062, MONDO:0012034, OMIM 608423.

Submission:

Labcorp Genetics (formerly Invitae), Labcorp
Classification: Uncertain significance for Autosomal dominant limb-girdle muscular dystrophy type 1F. Last evaluated: 2025-06-12. Review status: criteria provided, single submitter. Criteria: Invitae Variant Classification Sherloc (09022015). Collection method: clinical testing. Allele origin: germline.
Comment: This sequence change replaces glycine, which is neutral and non-polar, with valine, which is neutral and non-polar, at codon 212 of the TNPO3 protein (p.Gly212Val). This variant is not present in population databases (gnomAD no frequency). This variant has not been reported in the literature in individuals affected with TNPO3-related conditions. ClinVar contains an entry for this variant (Variation ID: 2000684). An algorithm developed to predict the effect of missense changes on protein structure and function (PolyPhen-2) suggests that this variant is likely to be disruptive. In summary, the available evidence is currently insufficient to determine the role of this variant in disease. Therefore, it has been classified as a Variant of Uncertain Significance.